The following is an entry in ClinVar:

ClinVar aggregate classification (germline): Uncertain significance (1 of 4 stars; one submission).

Submission:

GeneDx
Classification: Uncertain significance. Last evaluated: 2023-12-03. Review status: criteria provided, single submitter. Criteria: GeneDx Variant Classification Process June 2021. Collection method: clinical testing. Allele origin: germline. Affected: yes.
Comment: Not observed at significant frequency in large population cohorts (gnomAD); Frameshift variant predicted to result in protein truncation or nonsense mediated decay in a gene or region of a gene for which loss of function is not a well-established mechanism of disease; Has not been previously published as pathogenic or benign to our knowledge

NM_021072.4(HCN1):c.1217dup (p.Tyr407fs)

Gene: HCN1 (hyperpolarization activated cyclic nucleotide gated potassium channel 1; minus strand). Cytogenetic location: 5p12.
Variant type: Duplication.
Coding change: c.1217dup on transcript NM_021072.4 (MANE Select); coding-DNA position 1217, one base duplicated (A; older notation c.1217dupA).
Protein change: p.Tyr407fs; shifts the reading frame from tyrosine 407.
Molecular consequence: frameshift variant.
Genome position (GRCh38, 1-based): chr5:45,396,505, T duplicated on the plus strand (A on the coding strand, the reverse complement: HCN1 is on the minus strand). VCF-style (leftmost placement, unchanged base first): chr5-45396504-C-CT. GRCh37 (hg19) VCF-style: chr5-45396606-C-CT.
Other names: short protein forms Y407fs.
Identifiers: ClinVar variation 3365228 (VCV003365228.1).
Genomic context (GRCh38, chr5:45,396,504, plus strand): 5'-GTTCAGGTTAGCTGGTTAAAGACATTGGCGATAAATAAAACAAATTACCTTCTCTTGATA[C>CT]TGCCGCCTCGAAGAATCCAGAGACTGGATTAAAGCGGTGGCATGGCCGACAAACATGGCA-3'